The following continues an entry in ClinVar:

NM_004415.4(DSP):c.7916G>A (p.Arg2639Gln)

Gene: DSP. ClinVar aggregate classification (germline): Conflicting classifications of pathogenicity. Uncertain significance (3); Benign (12); Likely benign (3).

Submissions 16 to 21 of 21:

Laboratory for Molecular Medicine, Mass General Brigham Personalized Medicine
Classification: Benign. Last evaluated: 2016-01-18. Review status: criteria provided, single submitter. Criteria: LMM Criteria. Collection method: clinical testing. Allele origin: germline. Observed: 2 variant alleles.
Comment: Arg2639Gln in exon 24 of DSP: This variant is not expected to have clinical sign ificance because it has been identified in 1.2% (105/8630) of East Asian chromos omes by the by the Exome Aggregation Consortium (ExAC). In one study this variant has been identified in 4 Taiwanese individuals with ARVC, but was also identified in 1.3% (8/600) control chromosomes (Bao 201 3).

Stanford Center for Inherited Cardiovascular Disease, Stanford University
Classification: Uncertain significance. Last evaluated: 2014-07-30. Review status: criteria provided, single submitter. Criteria: ACMG Guidelines, 2015. Collection method: provider interpretation. Allele origin: germline.

Biesecker Lab/Clinical Genomics Section, National Institutes of Health
Classification: Benign for Dysplasia, arrhythmogenic right ventricular. Last evaluated: 2013-06-24. Review status: criteria provided, single submitter. Criteria: Ng et al. (Circ Cardiovasc Genet. 2013). Collection method: research. Allele origin: unknown. Observed: 1 variant allele. Study: ClinSeq.
Comment: The study set was not selected for affection status in relation to any cancer. Pathogenicity categories were based on literature curation. See Pubmed ID:23861362 for details.

Medical sequencing

PreventionGenetics, part of Exact Sciences
Classification: Likely benign for DSP-related condition. Last evaluated: 2020-06-10. Review status: no assertion criteria provided. Collection method: clinical testing. Allele origin: germline. Not counted in ClinVar's aggregate classification.
Comment: This variant is classified as likely benign based on ACMG/AMP sequence variant interpretation guidelines (Richards et al. 2015 PMID: 25741868, with internal and published modifications).

Clinical Genetics, Academic Medical Center
Classification: Benign. Review status: no assertion criteria provided. Collection method: clinical testing. Allele origin: germline. Affected: yes. Study: VKGL Data-share Consensus. Not counted in ClinVar's aggregate classification.

Diagnostic Laboratory, Department of Genetics, University Medical Center Groningen
Classification: Benign. Review status: no assertion criteria provided. Collection method: clinical testing. Allele origin: germline. Affected: yes. Study: VKGL Data-share Consensus. Not counted in ClinVar's aggregate classification.

Literature cited by the submitters: PubMed 18632414 (cited by 3 submitters); PubMed 20738328 (cited by Women's Health and Genetics/Laboratory Corporation of America, LabCorp); PubMed 23911551 (cited by Women's Health and Genetics/Laboratory Corporation of America, LabCorp); PubMed 24125834 (cited by Women's Health and Genetics/Laboratory Corporation of America, LabCorp and Laboratory for Molecular Medicine, Mass General Brigham Personalized Medicine); PubMed 19924139 (cited by Women's Health and Genetics/Laboratory Corporation of America, LabCorp); PubMed 25225338 (cited by Women's Health and Genetics/Laboratory Corporation of America, LabCorp); PubMed 25693453 (cited by Women's Health and Genetics/Laboratory Corporation of America, LabCorp); PubMed 26585738 (cited by Women's Health and Genetics/Laboratory Corporation of America, LabCorp); PubMed 30354334 (cited by Women's Health and Genetics/Laboratory Corporation of America, LabCorp).